The following is an entry in ClinVar:

ClinVar aggregate classification (germline): Uncertain significance (1 of 4 stars; one submission).

Conditions:
RASopathy. Also called: rasopathies; Noonan spectrum disorder. Identifiers: Orphanet 536391, MedGen C5555857, MONDO:0021060.

Submission:

Labcorp Genetics (formerly Invitae), Labcorp
Classification: Uncertain significance for RASopathy. Last evaluated: 2022-07-06. Review status: criteria provided, single submitter. Criteria: Invitae Variant Classification Sherloc (09022015). Collection method: clinical testing. Allele origin: germline.
Comment: In summary, the available evidence is currently insufficient to determine the role of this variant in disease. Therefore, it has been classified as a Variant of Uncertain Significance. Advanced modeling of protein sequence and biophysical properties (such as structural, functional, and spatial information, amino acid conservation, physicochemical variation, residue mobility, and thermodynamic stability) performed at Invitae indicates that this missense variant is expected to disrupt BRAF protein function. ClinVar contains an entry for this variant (Variation ID: 1350494). This variant has not been reported in the literature in individuals affected with BRAF-related conditions. This variant is not present in population databases (gnomAD no frequency). This sequence change replaces valine, which is neutral and non-polar, with leucine, which is neutral and non-polar, at codon 528 of the BRAF protein (p.Val528Leu).

NM_004333.6(BRAF):c.1582G>C (p.Val528Leu)

Gene: BRAF (B-Raf proto-oncogene, serine/threonine kinase; minus strand). Cytogenetic location: 7q34.
Variant type: single nucleotide variant.
Coding change: c.1582G>C on transcript NM_004333.6 (MANE Select); coding-DNA position 1582, G replaced by C.
Protein change: p.Val528Leu; replaces valine 528 with leucine.
Molecular consequence: missense variant.
Genome position (GRCh38, 1-based): chr7:140,777,024, C>G on the plus strand (G>C on the coding strand, the complement: BRAF is on the minus strand). VCF-style: chr7-140777024-C-G. GRCh37 (hg19) VCF-style: chr7-140476824-C-G.
Other names: c.1582G>C, p.Val528Leu (NM_001354609.2, NM_001378468.1, NM_001378474.1); c.1702G>C, p.Val568Leu (NM_001374244.1, NM_001374258.1); c.1591G>C, p.Val531Leu (NM_001378467.1); c.1516G>C, p.Val506Leu (NM_001378469.1); c.1480G>C, p.Val494Leu (NM_001378470.1); c.1471G>C, p.Val491Leu (NM_001378471.1); c.1426G>C, p.Val476Leu (NM_001378472.1, NM_001378473.1); c.1318G>C, p.Val440Leu (NM_001378475.1); short protein forms V531L, V506L, V440L, V491L, V476L, V494L, V568L, V528L.
Identifiers: ClinVar variation 1350494 (VCV001350494.6), dbSNP rs2129018438, ClinGen allele CA369588198.
Genomic context (GRCh38, chr7:140,777,024, plus strand): 5'-ATTTGGTCTCAATGATATGGAGATGGTGATACAAGCTGGAGCCCTCACACCACTGGGTAA[C>G]AATAGCCAGTTGTGGCTTTGTGGAATAGCCCATGAAGAGTAGGATATTCACATGTCGTGT-3'
Protein context (NP_004324.2, residues 518-538): GYSTKPQLAI[Val528Leu]TQWCEGSSLY